The following is an entry in ClinVar:

ClinVar aggregate classification (germline): Likely benign. Review status: criteria provided, multiple submitters, no conflicts (2 of 4 stars). 2 submissions from 2 submitters: Likely benign (2). Last evaluated 2025-10-07.

Conditions:
POLG-related disorder. Also called: POLG-Related Spectrum Disorders; POLG-related condition; POLG-Related Disorders. Identifiers: MedGen C4763519.
Progressive sclerosing poliodystrophy (MTDPS4A). Also called: Alpers Syndrome; ALPERS DIFFUSE DEGENERATION OF CEREBRAL GRAY MATTER WITH HEPATIC CIRRHOSIS; ALPERS PROGRESSIVE INFANTILE POLIODYSTROPHY; NEURONAL DEGENERATION OF CHILDHOOD WITH LIVER DISEASE, PROGRESSIVE; Mitochondrial DNA Depletion Syndrome 4A; Alpers-Huttenlocher Syndrome (AHS). Identifiers: Orphanet 726, MedGen C0205710, MONDO:0008758, OMIM 203700.

Allele frequency attached by ClinVar (database versions not stated): TOPMed below 0.00001; gnomAD 0.00001; 1000 Genomes Project 0.00020; 1000 Genomes Project 30x 0.00031.
gnomAD v4.1: 2 of 1,614,166 alleles (0.00012%); highest among the groups gnomAD compares: East Asian, 0.0022%; no homozygotes.

Submissions (2):

Labcorp Genetics (formerly Invitae), Labcorp
Classification: Likely benign for Progressive sclerosing poliodystrophy. Last evaluated: 2025-10-07. Review status: criteria provided, single submitter. Criteria: Invitae Variant Classification Sherloc (09022015). Collection method: clinical testing. Allele origin: germline.

PreventionGenetics, part of Exact Sciences
Classification: Likely benign for POLG-related condition. Last evaluated: 2025-03-10. Review status: criteria provided, single submitter. Criteria: ACMG Guidelines, 2015. Collection method: clinical testing. Allele origin: germline.
Comment: This variant is classified as likely benign based on ACMG/AMP sequence variant interpretation guidelines (Richards et al. 2015 PMID: 25741868, with internal and published modifications).

NM_002693.3(POLG):c.3180G>A (p.Lys1060=)

Gene: POLG (DNA polymerase gamma, catalytic subunit; minus strand). Cytogenetic location: 15q26.1.
Variant type: single nucleotide variant.
Coding change: c.3180G>A on transcript NM_002693.3 (MANE Select); coding-DNA position 3180, G replaced by A.
Protein change: p.Lys1060=; no amino-acid change (lysine 1060 retained).
Molecular consequence: synonymous variant.
Genome position (GRCh38, 1-based): chr15:89,319,024, C>T on the plus strand (G>A on the coding strand, the complement: POLG is on the minus strand). VCF-style: chr15-89319024-C-T. GRCh37 (hg19) VCF-style: chr15-89862255-C-T.
Other names: c.3180G>A, p.Lys1060= (NM_001126131.2).
Identifiers: ClinVar variation 1953450 (VCV001953450.6), dbSNP rs200759978, ClinGen allele CA274541589.
Genomic context (GRCh38, chr15:89,319,024, plus strand): 5'-GCTGATGCAGCAGCCCAGCACCGGGGTACGTGGTATGTCAGACGTAGCAATGCTCTCAAG[C>T]TTATTGAACATTTCTGACTCTGTGCCCCCCTTCCATGCCCGTTCAGCAACCACCTCCCAC-3'
Protein context (NP_002684.1, residues 1050-1070): KGGTESEMFN[Lys1060=]LESIATSDIP